The following is an entry in ClinVar:

NM_002528.7(NTHL1):c.289A>G (p.Lys97Glu)

Gene: NTHL1 (nth like DNA glycosylase 1; minus strand). Cytogenetic location: 16p13.3.
Variant type: single nucleotide variant.
Coding change: c.289A>G on transcript NM_002528.7 (MANE Select); coding-DNA position 289, A replaced by G.
Protein change: p.Lys97Glu; replaces lysine 97 with glutamic acid.
Molecular consequence: missense variant. On other transcripts: intron variant (1).
Genome position (GRCh38, 1-based): chr16:2,046,193, T>C on the plus strand (A>G on the coding strand, the complement: NTHL1 is on the minus strand). VCF-style: chr16-2046193-T-C. GRCh37 (hg19) VCF-style: chr16-2096194-T-C.
Other names: c.289A>G, p.Lys97Glu (NM_001318193.2); c.24+87A>G (NM_001318194.2); short protein forms K97E.
Identifiers: ClinVar variation 1728057 (VCV001728057.2), dbSNP rs2548319651, ClinGen allele CA394295617.

ClinVar aggregate classification (germline): Uncertain significance (1 of 4 stars; one submission).

Conditions:
Hereditary cancer-predisposing syndrome. Also called: Tumor predisposition; Neoplastic Syndromes, Hereditary; Hereditary Cancer Syndrome; Hereditary neoplastic syndrome. Identifiers: Orphanet 140162, MedGen C0027672, MeSH D009386, MONDO:0015356.

Submission:

Ambry Genetics
Classification: Uncertain significance for Hereditary cancer-predisposing syndrome. Last evaluated: 2021-03-02. Review status: criteria provided, single submitter. Criteria: Ambry Variant Classification Scheme 2023. Collection method: clinical testing. Allele origin: germline.
Comment: The p.K105E variant (also known as c.313A>G), located in coding exon 2 of the NTHL1 gene, results from an A to G substitution at nucleotide position 313. The lysine at codon 105 is replaced by glutamic acid, an amino acid with similar properties. This amino acid position is poorly conserved in available vertebrate species. In addition, this alteration is predicted to be tolerated by in silico analysis. Since supporting evidence is limited at this time, the clinical significance of this alteration remains unclear.